The following is an entry in ClinVar:

ClinVar aggregate classification (germline): Benign/Likely benign. Review status: criteria provided, multiple submitters, no conflicts (2 of 4 stars). 6 submissions from 6 submitters: Benign (1); Likely benign (5). Last evaluated 2025-12-31.

Conditions:
Inborn genetic diseases. Identifiers: MedGen C0950123, MeSH D030342.
MEND syndrome (MEND). Also called: MALE EBP DISORDER WITH NEUROLOGIC DEFECTS. Identifiers: Orphanet 401973, MedGen C4085243, MONDO:0010498, OMIM 300960.
Chondrodysplasia punctata 2 X-linked dominant (CDPX2). Also called: EBP-Related X-Linked Chondrodysplasia Punctata; Hunermann-Conradi Syndrome; CONRADI-HUNERMANN-HAPPLE SYNDROME; HAPPLE SYNDROME. Identifiers: Orphanet 35173, MedGen C0282102, MONDO:0020603, OMIM 302960.

Allele frequency attached by ClinVar (database versions not stated): gnomAD exomes 0.00020; ExAC 0.00025; TOPMed 0.00039; 1000 Genomes Project 30x 0.00042; gnomAD 0.00044; ESP Exome Variant Server 0.00047.
gnomAD v4.1: 1,074 of 1,173,029 alleles (0.092%); highest among the groups gnomAD compares: Non-Finnish European, 0.12%; 1 homozygote.

Submissions (6):

Labcorp Genetics (formerly Invitae), Labcorp
Classification: Benign. Last evaluated: 2025-12-31. Review status: criteria provided, single submitter. Criteria: Invitae Variant Classification Sherloc (09022015). Collection method: clinical testing. Allele origin: germline.

CeGaT Center for Human Genetics Tuebingen
Classification: Likely benign. Last evaluated: 2023-10-01. Review status: criteria provided, single submitter. Criteria: CeGaT Center For Human Genetics Tuebingen Variant Classification Criteria Version 2. Collection method: clinical testing. Allele origin: germline. Affected: yes. Observed: 1 variant allele.
Comment: EBP: BS2

Fulgent Genetics
Classification: Likely benign for MEND syndrome; Chondrodysplasia punctata 2 X-linked dominant. Last evaluated: 2022-04-11. Review status: criteria provided, single submitter. Criteria: ACMG Guidelines, 2015. Collection method: clinical testing. Allele origin: unknown.

Ambry Genetics
Classification: Likely benign for Inborn genetic diseases. Last evaluated: 2021-12-20. Review status: criteria provided, single submitter. Criteria: Ambry Variant Classification Scheme 2023. Collection method: clinical testing. Allele origin: germline.

GeneDx
Classification: Likely benign. Last evaluated: 2019-03-20. Review status: criteria provided, single submitter. Criteria: GeneDx Variant Classification Process June 2021. Collection method: clinical testing. Allele origin: germline. Affected: yes.

Eurofins Ntd Llc (ga)
Classification: Likely benign. Last evaluated: 2017-07-18. Review status: criteria provided, single submitter. Criteria: EGL Classification Definitions 2015. Collection method: clinical testing. Allele origin: germline. Observed: 1 variant allele, 1 hemizygote.

NM_006579.3(EBP):c.650C>T (p.Thr217Met)

Gene: EBP (EBP cholestenol delta-isomerase; plus strand). Cytogenetic location: Xp11.23.
Variant type: single nucleotide variant.
Coding change: c.650C>T on transcript NM_006579.3 (MANE Select); coding-DNA position 650, C replaced by T.
Protein change: p.Thr217Met; replaces threonine 217 with methionine.
Molecular consequence: missense variant.
Genome position (GRCh38, 1-based): chrX:48,528,414, C>T. VCF-style: chrX-48528414-C-T. GRCh37 (hg19) VCF-style: chrX-48386802-C-T.
Other names: short protein forms T217M.
Identifiers: ClinVar variation 592979 (VCV000592979.43), dbSNP rs150348311, ClinGen allele CA10403066.
Genomic context (GRCh38, chrX:48,528,414, plus strand): 5'-TGGTGCTGCCTGGAGTCCTTGTGCTTGATGCTGTGAAGCACCTCACTCATGCCCAGAGCA[C>T]GCTGGATGCCAAGGCCACAAAAGCCAAGAGCAAGAAGAACTGAGGAGTGGTGGACCAGGC-3'
Protein context (NP_006570.1, residues 207-227): AVKHLTHAQS[Thr217Met]LDAKATKAKS